The following is an entry in ClinVar:

ClinVar aggregate classification (germline): Uncertain significance. Review status: criteria provided, multiple submitters, no conflicts (2 of 4 stars). 5 submissions from 5 submitters: Uncertain significance (5). Last evaluated 2024-11-25.

Conditions:
Charcot-Marie-Tooth disease type 4. Also called: Charcot-Marie-Tooth disease, type IV; Charcot-Marie-Tooth, Type 4. Identifiers: Orphanet 64749, MedGen C4082197, MONDO:0018995.
Inborn genetic diseases. Identifiers: MedGen C0950123, MeSH D030342.

Allele frequency attached by ClinVar (database versions not stated): TOPMed 0.00005; gnomAD 0.00006; ExAC 0.00013.
gnomAD v4.1: 163 of 1,601,300 alleles (0.01%); highest among the groups gnomAD compares: Admixed American, 0.044%; no homozygotes.

Submissions (5):

Ambry Genetics
Classification: Uncertain significance for Inborn genetic diseases. Last evaluated: 2024-11-25. Review status: criteria provided, single submitter. Criteria: Ambry Variant Classification Scheme 2023. Collection method: clinical testing. Allele origin: germline.

GeneDx
Classification: Uncertain significance. Last evaluated: 2024-02-05. Review status: criteria provided, single submitter. Criteria: GeneDx Variant Classification Process June 2021. Collection method: clinical testing. Allele origin: germline. Affected: yes.
Comment: In silico analysis supports that this missense variant does not alter protein structure/function; Has not been previously published as pathogenic or benign to our knowledge

Labcorp Genetics (formerly Invitae), Labcorp
Classification: Uncertain significance for Charcot-Marie-Tooth disease type 4. Last evaluated: 2022-09-06. Review status: criteria provided, single submitter. Criteria: Invitae Variant Classification Sherloc (09022015). Collection method: clinical testing. Allele origin: germline.
Comment: This sequence change replaces glycine, which is neutral and non-polar, with arginine, which is basic and polar, at codon 1296 of the PRX protein (p.Gly1296Arg). This variant is present in population databases (rs769014032, gnomAD 0.06%). This variant has not been reported in the literature in individuals affected with PRX-related conditions. ClinVar contains an entry for this variant (Variation ID: 642971). Algorithms developed to predict the effect of missense changes on protein structure and function are either unavailable or do not agree on the potential impact of this missense change (SIFT: "Tolerated"; PolyPhen-2: "Probably Damaging"; Align-GVGD: "Class C0"). In summary, the available evidence is currently insufficient to determine the role of this variant in disease. Therefore, it has been classified as a Variant of Uncertain Significance.

Athena Diagnostics
Classification: Uncertain significance. Last evaluated: 2021-11-05. Review status: criteria provided, single submitter. Criteria: Athena Diagnostics Criteria. Collection method: clinical testing. Allele origin: unknown.

Mayo Clinic Laboratories, Mayo Clinic
Classification: Uncertain significance. Last evaluated: 2021-04-27. Review status: criteria provided, single submitter. Criteria: ACMG Guidelines, 2015. Collection method: clinical testing. Allele origin: germline.

NM_181882.3(PRX):c.3886G>C (p.Gly1296Arg)

Gene: PRX (periaxin; minus strand). Cytogenetic location: 19q13.2.
Variant type: single nucleotide variant.
Coding change: c.3886G>C on transcript NM_181882.3 (MANE Select); coding-DNA position 3886, G replaced by C.
Protein change: p.Gly1296Arg; replaces glycine 1296 with arginine.
Molecular consequence: missense variant. On other transcripts: 3 prime UTR variant (1).
Genome position (GRCh38, 1-based): chr19:40,394,466, C>G on the plus strand (G>C on the coding strand, the complement: PRX is on the minus strand). VCF-style: chr19-40394466-C-G. GRCh37 (hg19) VCF-style: chr19-40900373-C-G.
Other names: p.Gly1296Arg; c.*4091G>C (NM_020956.2); short protein forms G1296R.
Identifiers: ClinVar variation 642971 (VCV000642971.13), dbSNP rs769014032, ClinGen allele CA9443755.
Genomic context (GRCh38, chr19:40,394,466, plus strand): 5'-CCCGCACCAGGCCAAACCGGGGCAGCCGTACCTTGAGCTTGTGTCCGGCCTCTCCCTCCC[C>G]CTCTGCCACCTGGTACTCGGCATGGTTGCCCCCGGATGGCGAGAGCTCCACGTCGGGCAG-3'
Protein context (NP_870998.2, residues 1286-1306): GNHAEYQVAE[Gly1296Arg]EGEAGHKLKV